The following is an entry in ClinVar:

ClinVar aggregate classification (germline): Likely benign. Review status: criteria provided, multiple submitters, no conflicts (2 of 4 stars). 2 submissions from 2 submitters: Likely benign (2). Last evaluated 2025-10-28.

Conditions:
Inborn genetic diseases. Identifiers: MedGen C0950123, MeSH D030342.
MAP1B-related disorder. Also called: MAP1B-related condition.

Allele frequency attached by ClinVar (database versions not stated): gnomAD 0.00005; gnomAD exomes 0.00007; ExAC 0.00012; 1000 Genomes Project 0.00020; 1000 Genomes Project 30x 0.00031.
gnomAD v4.1: 106 of 1,614,036 alleles (0.0066%); highest among the groups gnomAD compares: South Asian, 0.11%; no homozygotes.

Submissions (2):

PreventionGenetics, part of Exact Sciences
Classification: Likely benign for MAP1B-related condition. Last evaluated: 2025-10-28. Review status: criteria provided, single submitter. Criteria: ACMG Guidelines, 2015. Collection method: clinical testing. Allele origin: germline.
Comment: This variant is classified as likely benign based on ACMG/AMP sequence variant interpretation guidelines (Richards et al. 2015 PMID: 25741868, with internal and published modifications).

Ambry Genetics
Classification: Likely benign for Inborn genetic diseases. Last evaluated: 2022-12-15. Review status: criteria provided, single submitter. Criteria: Ambry Variant Classification Scheme 2023. Collection method: clinical testing. Allele origin: germline.

NM_005909.5(MAP1B):c.1133T>C (p.Ile378Thr)

Gene: MAP1B (microtubule associated protein 1B; plus strand). Cytogenetic location: 5q13.2.
Variant type: single nucleotide variant.
Coding change: c.1133T>C on transcript NM_005909.5 (MANE Select); coding-DNA position 1133, T replaced by C.
Protein change: p.Ile378Thr; replaces isoleucine 378 with threonine.
Molecular consequence: missense variant.
Genome position (GRCh38, 1-based): chr5:72,194,488, T>C. VCF-style: chr5-72194488-T-C. GRCh37 (hg19) VCF-style: chr5-71490315-T-C.
Other names: c.1133T>C (NM_005909.4); c.755T>C, p.Ile252Thr (NM_001324255.2); short protein forms I378T, I252T.
Identifiers: ClinVar variation 2399355 (VCV002399355.3), dbSNP rs568808169, ClinGen allele CA3298608.